The following is an entry in ClinVar:

ClinVar aggregate classification (germline): Pathogenic/Likely pathogenic. Review status: criteria provided, multiple submitters, no conflicts (2 of 4 stars). 5 submissions from 5 submitters: Pathogenic (3); Likely pathogenic (2). Last evaluated 2025-11-19.

Conditions:
Hereditary cancer-predisposing syndrome. Also called: Hereditary Cancer Syndrome; Neoplastic Syndromes, Hereditary; Tumor predisposition; Hereditary neoplastic syndrome. Identifiers: Orphanet 140162, MedGen C0027672, MeSH D009386, MONDO:0015356.
Bloom syndrome (BLM). Also called: Bloom-Torre-Machacek syndrome. Identifiers: Orphanet 125, MedGen C0005859, MONDO:0008876, OMIM 210900.

Allele frequency attached by ClinVar (database versions not stated): TOPMed below 0.00001.

Submissions (5):

Natera, Inc.
Classification: Likely pathogenic for Bloom syndrome. Last evaluated: 2025-11-19. Review status: criteria provided, single submitter. Criteria: Natera Variant Classification Schema (03/2026). Collection method: clinical testing. Allele origin: germline.
Comment: The c.2005A>T variant in BLM is a nonsense variant predicted to introduce a stop codon at amino acid 669. This variant is expected to result in nonsense mediated decay, truncation, or a dysfunctional protein product. This variant is rare in the general population with a frequency below the threshold expected for the associated phenotype(s). Given the available evidence, this variant is classified as Likely Pathogenic.

Dasa
Classification: Likely pathogenic. Last evaluated: 2025-08-12. Review status: criteria provided, single submitter. Criteria: DASA Assertion Criteria. Collection method: clinical testing. Allele origin: germline.
Comment: NM_000057.4(BLM):c.2005A>T (p.Arg669*) is a nonsense variant in BLM predicted to introduce a premature termination codon and is predicted to result in an absent or altered protein product. Loss of function is an established disease mechanism for BLM-associated disorders. Also, this variant is absent from population databases. Based on the currently available evidence, this variant is classified as likely pathogenic.

Labcorp Genetics (formerly Invitae), Labcorp
Classification: Pathogenic for Bloom syndrome. Last evaluated: 2025-03-18. Review status: criteria provided, single submitter. Criteria: Invitae Variant Classification Sherloc (09022015). Collection method: clinical testing. Allele origin: germline.
Comment: This sequence change creates a premature translational stop signal (p.Arg669*) in the BLM gene. It is expected to result in an absent or disrupted protein product. Loss-of-function variants in BLM are known to be pathogenic (PMID: 17407155). This variant is not present in population databases (gnomAD no frequency). This variant has not been reported in the literature in individuals affected with BLM-related conditions. ClinVar contains an entry for this variant (Variation ID: 803130). For these reasons, this variant has been classified as Pathogenic.

Ambry Genetics
Classification: Pathogenic for Hereditary cancer-predisposing syndrome. Last evaluated: 2021-07-26. Review status: criteria provided, single submitter. Criteria: Ambry Variant Classification Scheme 2023. Collection method: clinical testing. Allele origin: germline.
Comment: The p.R669* pathogenic mutation (also known as c.2005A>T), located in coding exon 7 of the BLM gene, results from an A to T substitution at nucleotide position 2005. This changes the amino acid from an arginine to a stop codon within coding exon 7. This variant is considered to be rare based on population cohorts in the Genome Aggregation Database (gnomAD). This alteration is expected to result in loss of function by premature protein truncation or nonsense-mediated mRNA decay. As such, this alteration is interpreted as a disease-causing mutation.

Mendelics
Classification: Pathogenic for Bloom syndrome. Last evaluated: 2019-05-28. Review status: criteria provided, single submitter. Criteria: Mendelics Assertion Criteria 2017. Collection method: clinical testing. Allele origin: unknown.

Literature cited by the submitters: PubMed 17407155 (cited by Labcorp Genetics (formerly Invitae), Labcorp).

NM_000057.4(BLM):c.2005A>T (p.Arg669Ter)

Gene: BLM (BLM RecQ like helicase; plus strand). Cytogenetic location: 15q26.1.
Variant type: single nucleotide variant.
Coding change: c.2005A>T on transcript NM_000057.4 (MANE Select); coding-DNA position 2005, A replaced by T.
Protein change: p.Arg669Ter; replaces arginine 669 with a stop codon.
Molecular consequence: nonsense.
Genome position (GRCh38, 1-based): chr15:90,763,088, A>T. VCF-style: chr15-90763088-A-T. GRCh37 (hg19) VCF-style: chr15-91306318-A-T.
Other names: c.2005A>T, p.Arg669Ter (NM_001287246.2, NM_001287247.2); c.880A>T, p.Arg294Ter (NM_001287248.2); c.2005A>T (NM_000057.3); short protein forms R294*, R669*.
Identifiers: ClinVar variation 803130 (VCV000803130.7), dbSNP rs1596232266, ClinGen allele CA393844342.